The following is an entry in ClinVar:

NM_000094.4(COL7A1):c.4561G>C (p.Glu1521Gln)

Gene: COL7A1 (collagen type VII alpha 1 chain; minus strand). Cytogenetic location: 3p21.31.
Variant type: single nucleotide variant.
Coding change: c.4561G>C on transcript NM_000094.4 (MANE Select); coding-DNA position 4561, G replaced by C.
Protein change: p.Glu1521Gln; replaces glutamic acid 1521 with glutamine.
Molecular consequence: missense variant.
Genome position (GRCh38, 1-based): chr3:48,582,611, C>G on the plus strand (G>C on the coding strand, the complement: COL7A1 is on the minus strand). VCF-style: chr3-48582611-C-G. GRCh37 (hg19) VCF-style: chr3-48620044-C-G.
Other names: short protein forms E1521Q.
Identifiers: ClinVar variation 902472 (VCV000902472.10), dbSNP rs373745858, ClinGen allele CA2379959.

ClinVar aggregate classification (germline): Uncertain significance. Review status: criteria provided, multiple submitters, no conflicts (2 of 4 stars). 4 submissions from 4 submitters: Uncertain significance (4). Last evaluated 2026-01-12.

Conditions:
Transient bullous dermolysis of the newborn (TBDN). Also called: DYSTROPHIC EPIDERMOLYSIS BULLOSA, NEONATAL; EPIDERMOLYSIS BULLOSA DYSTROPHICA, NEONATAL FORM. Identifiers: Orphanet 79411, MedGen C1851573, MONDO:0007548, OMIM 131705.
Pretibial dystrophic epidermolysis bullosa. Also called: Pretibial blistering; Pretibial epidermolysis bullosa; EPIDERMOLYSIS BULLOSA DYSTROPHICA, PRETIBIAL. Identifiers: Orphanet 79410, MedGen C0432321, MONDO:0007552, OMIM 131850, HP:0012221.
Dominant dystrophic epidermolysis bullosa with absence of skin. Also called: EPIDERMOLYSIS BULLOSA DYSTROPHICA, BART TYPE; EPIDERMOLYSIS BULLOSA WITH CONGENITAL LOCALIZED ABSENCE OF SKIN AND DEFORMITY OF NAILS. Identifiers: MedGen C0268371, MONDO:0007557, OMIM 132000.
Nonsyndromic congenital nail disorder 8. Also called: TOENAIL DYSTROPHY, ISOLATED. Identifiers: MedGen C1843761, MONDO:0011852, OMIM 607523.
Recessive dystrophic epidermolysis bullosa (RDEB). Also called: Epidermolysis Bullosa Distrophica Autosomal Recessive (RDEB); Recessive DEB (RDEB); Hallopeau-Siemens Disease; epidermolysis bullosa dystrophica, autosomal recessive; EPIDERMOLYSIS BULLOSA DYSTROPHICA, GENERALIZED SEVERE, AUTOSOMAL RECESSIVE; DYSTROPHIC EPIDERMOLYSIS BULLOSA, AUTOSOMAL RECESSIVE. Identifiers: Orphanet 79408, Orphanet 79409, MedGen C0079474, MONDO:0009179, OMIM 226600.
Epidermolysis bullosa pruriginosa. Also called: DEB, PRURIGINOSA; DYSTROPHIC EPIDERMOLYSIS BULLOSA PRURIGINOSA. Identifiers: Orphanet 89843, MedGen C1275114, MONDO:0011398, OMIM 604129.
Generalized dominant dystrophic epidermolysis bullosa (DDEB). Also called: DDEB, generalized; DDEB-gen; DYSTROPHIC EPIDERMOLYSIS BULLOSA, AUTOSOMAL DOMINANT; Epidermolysis bullosa dystrophica, autosomal dominant; Dominant DEB (DDEB). Identifiers: Orphanet 231568, MedGen C0432322, MONDO:0007549, OMIM 131750.
Epidermolysis bullosa dystrophica. Also called: Dystrophic epidermolysis bullosa, Hallopeau-Siemens type (formerly); Dystrophic epidermolysis bullosa. Identifiers: Orphanet 303, MedGen C0079294, MONDO:0006543.

Allele frequency attached by ClinVar (database versions not stated): gnomAD exomes 0.00008 and 0.00004; ESP Exome Variant Server 0.00015; gnomAD 0.00003 and 0.00004; TOPMed 0.00006; ExAC 0.00007.
gnomAD v4.1: 75 of 1,613,596 alleles (0.0046%); highest among the groups gnomAD compares: Non-Finnish European, 0.0023%; no homozygotes.

Submissions (4):

Labcorp Genetics (formerly Invitae), Labcorp
Classification: Uncertain significance. Last evaluated: 2026-01-12. Review status: criteria provided, single submitter. Criteria: Invitae Variant Classification Sherloc (09022015). Collection method: clinical testing. Allele origin: germline.
Comment: This sequence change replaces glutamic acid, which is acidic and polar, with glutamine, which is neutral and polar, at codon 1521 of the COL7A1 protein (p.Glu1521Gln). This variant is present in population databases (rs373745858, gnomAD 0.1%). This variant has not been reported in the literature in individuals affected with COL7A1-related conditions. ClinVar contains an entry for this variant (Variation ID: 902472). Experimental studies and prediction algorithms are not available or were not evaluated, and the functional significance of this variant is currently unknown. In summary, the available evidence is currently insufficient to determine the role of this variant in disease. Therefore, it has been classified as a Variant of Uncertain Significance.

Women's Health and Genetics/Laboratory Corporation of America, LabCorp
Classification: Uncertain significance. Last evaluated: 2025-10-12. Review status: criteria provided, single submitter. Criteria: LabCorp Variant Classification Summary - May 2015. Collection method: clinical testing. Allele origin: germline.

Fulgent Genetics
Classification: Uncertain significance for Transient bullous dermolysis of the newborn; Generalized dominant dystrophic epidermolysis bullosa; Pretibial dystrophic epidermolysis bullosa; Dominant dystrophic epidermolysis bullosa with absence of skin; Recessive dystrophic epidermolysis bullosa; Epidermolysis bullosa pruriginosa; Nonsyndromic congenital nail disorder 8. Last evaluated: 2022-01-19. Review status: criteria provided, single submitter. Criteria: ACMG Guidelines, 2015. Collection method: clinical testing. Allele origin: unknown.

Illumina Laboratory Services, Illumina
Classification: Uncertain significance for Dystrophic epidermolysis bullosa. Last evaluated: 2018-01-13. Review status: criteria provided, single submitter. Criteria: ICSL Variant Classification Criteria 13 December 2019. Collection method: clinical testing. Allele origin: germline.